The following is an entry in ClinVar:

NM_015374.3(SUN2):c.1894G>A (p.Ala632Thr)

Genes: GTPBP1 (GTP binding protein 1; plus strand), SUN2 (Sad1 and UNC84 domain containing 2; minus strand). Cytogenetic location: 22q13.1.
Variant type: single nucleotide variant.
Coding change: c.1894G>A on transcript NM_015374.3 (MANE Select); coding-DNA position 1894, G replaced by A.
Protein change: p.Ala632Thr; replaces alanine 632 with threonine.
Molecular consequence: missense variant.
Genome position (GRCh38, 1-based): chr22:38,738,640, C>T on the plus strand (G>A on the coding strand, the complement: SUN2 is on the minus strand). VCF-style: chr22-38738640-C-T. GRCh37 (hg19) VCF-style: chr22-39134645-C-T.
Other names: c.1957G>A, p.Ala653Thr (NM_001199579.2); c.1894G>A, p.Ala632Thr (NM_001199580.2); short protein forms A653T, A632T.
Identifiers: ClinVar variation 837181 (VCV000837181.9), dbSNP rs1021027363, ClinGen allele CA411583310.

ClinVar aggregate classification (germline): Uncertain significance (1 of 4 stars; one submission).

Conditions:
Emery-Dreifuss muscular dystrophy (EDMD). Also called: Scapuloperoneal syndrome, X-linked (formerly); Humeroperoneal neuromuscular disease, (formerly). Identifiers: Orphanet 261, MedGen C0410189, MONDO:0016830.

gnomAD v4.1: 2 of 1,614,010 alleles (0.00012%); highest among the groups gnomAD compares: South Asian, 0.0011%; no homozygotes.

Submission:

Labcorp Genetics (formerly Invitae), Labcorp
Classification: Uncertain significance for Emery-Dreifuss muscular dystrophy. Last evaluated: 2020-02-15. Review status: criteria provided, single submitter. Criteria: Invitae Variant Classification Sherloc (09022015). Collection method: clinical testing. Allele origin: germline.
Comment: This sequence change replaces alanine with threonine at codon 632 of the SUN2 protein (p.Ala632Thr). The alanine residue is weakly conserved and there is a small physicochemical difference between alanine and threonine. This variant is not present in population databases (ExAC no frequency). This variant has not been reported in the literature in individuals with SUN2-related conditions. Algorithms developed to predict the effect of missense changes on protein structure and function are either unavailable or do not agree on the potential impact of this missense change (SIFT: "Tolerated"; PolyPhen-2: "Possibly Damaging"; Align-GVGD: "Class C0"). In summary, the available evidence is currently insufficient to determine the role of this variant in disease. Therefore, it has been classified as a Variant of Uncertain Significance.